The following is an entry in ClinVar:

ClinVar aggregate classification (germline): Pathogenic/Likely pathogenic. Review status: criteria provided, multiple submitters, no conflicts (2 of 4 stars). 10 submissions from 10 submitters: Pathogenic (7); Likely pathogenic (1). 2 of the submissions do not count toward it. Last evaluated 2025-06-18.

Conditions:
Hereditary cancer-predisposing syndrome. Also called: Tumor predisposition; Neoplastic Syndromes, Hereditary; Hereditary Cancer Syndrome; Hereditary neoplastic syndrome. Identifiers: Orphanet 140162, MedGen C0027672, MeSH D009386, MONDO:0015356.
Hereditary breast ovarian cancer syndrome. Also called: Hereditary breast and ovarian cancer syndrome; Hereditary breast and ovarian cancer syndrome (HBOC); Hereditary breast and ovarian cancer; Breast and ovarian cancer; BRCA1- and BRCA2-Associated Hereditary Breast and Ovarian Cancer; Hereditary breast and/or ovarian cancer syndrome. Identifiers: Orphanet 145, MedGen C0677776, MeSH D061325, MONDO:0003582. Disease mechanism: loss of function.
Familial cancer of breast. Also called: hereditary breast carcinoma; BREAST CANCER, FAMILIAL; Hereditary breast cancer. Identifiers: Orphanet 227535, MedGen C0346153, MONDO:0016419, OMIM 114480. Disease mechanism: loss of function.

Allele frequency attached by ClinVar (database versions not stated): gnomAD exomes below 0.00001; TOPMed below 0.00001; gnomAD 0.00001.

Submissions (10):

Labcorp Genetics (formerly Invitae), Labcorp
Classification: Pathogenic for Familial cancer of breast. Last evaluated: 2025-06-18. Review status: criteria provided, single submitter. Criteria: Invitae Variant Classification Sherloc (09022015). Collection method: clinical testing. Allele origin: germline.
Comment: This sequence change creates a premature translational stop signal (p.Gln314*) in the PALB2 gene. It is expected to result in an absent or disrupted protein product. Loss-of-function variants in PALB2 are known to be pathogenic (PMID: 17200668, 17200671, 17200672, 24136930, 25099575). This variant is not present in population databases (gnomAD no frequency). This variant has not been reported in the literature in individuals affected with PALB2-related conditions. ClinVar contains an entry for this variant (Variation ID: 187557). For these reasons, this variant has been classified as Pathogenic.

Ambry Genetics
Classification: Pathogenic for Hereditary cancer-predisposing syndrome. Last evaluated: 2025-05-14. Review status: criteria provided, single submitter. Criteria: Ambry Variant Classification Scheme 2023. Collection method: clinical testing. Allele origin: germline.
Comment: The p.Q314* pathogenic mutation (also known as c.940C>T), located in coding exon 4 of the PALB2 gene, results from a C to T substitution at nucleotide position 940. This changes the amino acid from a glutamine to a stop codon within coding exon 4. This variant is considered to be rare based on population cohorts in the Genome Aggregation Database (gnomAD). This alteration is expected to result in loss of function by premature protein truncation or nonsense-mediated mRNA decay. As such, this alteration is interpreted as a disease-causing mutation.

GeneDx
Classification: Pathogenic. Last evaluated: 2025-02-27. Review status: criteria provided, single submitter. Criteria: GeneDx Variant Classification Process June 2021. Collection method: clinical testing. Allele origin: germline. Affected: yes.
Comment: Nonsense variant predicted to result in protein truncation or nonsense mediated decay in a gene for which loss of function is a known mechanism of disease; Truncating variants in this gene are considered pathogenic by a well-established clinical consortium and/or database; Not observed at significant frequency in large population cohorts (gnomAD); This variant is associated with the following publications: (PMID: 31794323, 31841383, 37511102, 29522266, 33471991)

Baylor Genetics
Classification: Pathogenic for Familial cancer of breast. Last evaluated: 2024-01-10. Review status: criteria provided, single submitter. Criteria: ACMG Guidelines, 2015. Collection method: clinical testing. Allele origin: unknown.

Myriad Genetics, Inc.
Classification: Pathogenic for Familial cancer of breast. Last evaluated: 2023-03-30. Review status: criteria provided, single submitter. Criteria: Myriad Autosomal Dominant, Autosomal Recessive and X-Linked Classification Criteria (2023). Collection method: clinical testing. Allele origin: unknown.
Comment: This variant is considered pathogenic. This variant creates a termination codon and is predicted to result in premature protein truncation.

Color Diagnostics, LLC DBA Color Health
Classification: Pathogenic for Hereditary cancer-predisposing syndrome. Last evaluated: 2023-03-16. Review status: criteria provided, single submitter. Criteria: ACMG Guidelines, 2015. Collection method: clinical testing. Allele origin: germline.
Comment: This variant changes 1 nucleotide in exon 4 of the PALB2 gene, creating a premature translation stop signal. This variant is expected to result in an absent or non-functional protein product. This variant has been reported in one individual affected with urothelial cancer (PMID: 31794323) and in a breast cancer case-control meta-analysis in 1/60466 cases and 0/53461 unaffected individuals (PMID: 33471991; Leiden Open Variation Database DB-ID PALB2_011108). This variant has not been identified in the general population by the Genome Aggregation Database (gnomAD). Loss of PALB2 function is a known mechanism of disease. Based on the available evidence, this variant is classified as Pathogenic.

Institute for Clinical Genetics, University Hospital TU Dresden, University Hospital TU Dresden
Classification: Pathogenic. Last evaluated: 2021-11-03. Review status: criteria provided, single submitter. Criteria: ACMG Guidelines, 2015. Collection method: clinical testing. Allele origin: germline.

Women's Health and Genetics/Laboratory Corporation of America, LabCorp
Classification: Likely pathogenic for Hereditary breast ovarian cancer syndrome. Last evaluated: 2017-06-16. Review status: criteria provided, single submitter. Criteria: LabCorp Variant Classification Summary - May 2015. Collection method: clinical testing. Allele origin: germline.
Comment: Variant summary: The PALB2 c.940C>T (p.Gln314X) variant results in a premature termination codon, predicted to cause a truncated or absent PALB2 protein due to nonsense mediated decay, which are commonly known mechanisms for disease. Truncations downstream of this position have been classified as pathogenic by our laboratory (e.g. c.2167_2167delAT, c.2920_2921delAA, p.Trp1038X, etc.). This variant is absent in 121222 control chromosomes from ExAC. Multiple clinical diagnostic laboratories (via ClinVar) have classified this variant as pathogenic. The variant of interest has not, to our knowledge, been reported in affected individuals via publications. Taken together, this variant is classified as likely pathogenic.

Diagnostics Centre, Carl Von Ossietzky University Oldenburg
Classification: Pathogenic for Familial cancer of breast. Last evaluated: 2026-06-15. Review status: no assertion criteria provided. Collection method: clinical testing. Allele origin: germline. Affected: yes. Observed: 1 variant allele, 1 heterozygote. Not counted in ClinVar's aggregate classification.

Counsyl
Classification: Likely pathogenic for Familial cancer of breast. Last evaluated: 2017-12-11. Review status: no assertion criteria provided. Collection method: clinical testing. Allele origin: unknown. Not counted in ClinVar's aggregate classification.

Literature cited by the submitters: PubMed 17200668 (cited by Labcorp Genetics (formerly Invitae), Labcorp); PubMed 17200671 (cited by Labcorp Genetics (formerly Invitae), Labcorp); PubMed 17200672 (cited by Labcorp Genetics (formerly Invitae), Labcorp); PubMed 24136930 (cited by Labcorp Genetics (formerly Invitae), Labcorp); PubMed 25099575 (cited by Labcorp Genetics (formerly Invitae), Labcorp); PubMed 31794323 (cited by Color Diagnostics, LLC DBA Color Health); PubMed 33471991 (cited by Color Diagnostics, LLC DBA Color Health).

NM_024675.4(PALB2):c.940C>T (p.Gln314Ter)

Gene: PALB2 (partner and localizer of BRCA2; minus strand). Cytogenetic location: 16p12.2.
Variant type: single nucleotide variant.
Coding change: c.940C>T on transcript NM_024675.4 (MANE Select); coding-DNA position 940, C replaced by T.
Protein change: p.Gln314Ter; replaces glutamine 314 with a stop codon.
Molecular consequence: nonsense.
Genome position (GRCh38, 1-based): chr16:23,635,606, G>A on the plus strand (C>T on the coding strand, the complement: PALB2 is on the minus strand). VCF-style: chr16-23635606-G-A. GRCh37 (hg19) VCF-style: chr16-23646927-G-A.
Other names: short protein forms Q314*.
Identifiers: ClinVar variation 187557 (VCV000187557.30), dbSNP rs786203821, ClinGen allele CA197949.
Genomic context (GRCh38, chr16:23,635,606, plus strand): 5'-AGGTGAGTTCATTTAGAGAACATGAAATATTTGCCTCTAAATTAGAACTTGTGGGCAGTT[G>A]GCCACTTTTACTTATAGCTTTATTTACAAGGAGGTTATCTGTAGAGACAGTCATTTTTTT-3'